The following is an entry in ClinVar:

NM_000257.4(MYH7):c.2265G>A (p.Gln755=)

Gene: MYH7 (myosin heavy chain 7; minus strand). Cytogenetic location: 14q11.2.
Variant type: single nucleotide variant.
Coding change: c.2265G>A on transcript NM_000257.4 (MANE Select); coding-DNA position 2265, G replaced by A.
Protein change: p.Gln755=; no amino-acid change (glutamine 755 retained).
Molecular consequence: synonymous variant.
Genome position (GRCh38, 1-based): chr14:23,425,716, C>T on the plus strand (G>A on the coding strand, the complement: MYH7 is on the minus strand). VCF-style: chr14-23425716-C-T. GRCh37 (hg19) VCF-style: chr14-23894925-C-T.
Other names: c.2265G>A, p.Gln755= (NM_001407004.1).
Identifiers: ClinVar variation 3072798 (VCV003072798.1), dbSNP rs1261783154, ClinGen allele CA485766880.

ClinVar aggregate classification (germline): Likely benign (1 of 4 stars; one submission).

Conditions:
Cardiomyopathy (CMYO). Also called: Cardiomyopathies. Identifiers: Orphanet 167848, MedGen C0878544, MONDO:0004994, HP:0001638. Inheritance: Various modes of inheritance.

Allele frequency attached by ClinVar (database versions not stated): gnomAD exomes below 0.00001; gnomAD 0.00001.
gnomAD v4.1: 3 of 1,613,880 alleles (0.00019%); highest among the groups gnomAD compares: South Asian, 0.0011%; no homozygotes.

Submission:

All of Us Research Program, National Institutes of Health
Classification: Likely benign for Cardiomyopathy. Last evaluated: 2023-08-15. Review status: criteria provided, single submitter. Criteria: ACMG Guidelines, 2015. Collection method: clinical testing. Allele origin: germline. Inheritance: Autosomal dominant inheritance. Observed: 1 variant allele, 1 heterozygote.
Comment: This study involves interpretation of variants in research participants for the purpose of population health screening. Participant phenotype was not available at the time of variant classification. Additional details can be found in publication PMID: 35346344, PMCID: PMC8962531